The following is an entry in ClinVar:

NM_001034853.2(RPGR):c.430C>T (p.Gln144Ter)

Gene: RPGR (retinitis pigmentosa GTPase regulator; minus strand). Cytogenetic location: Xp11.4.
Variant type: single nucleotide variant.
Coding change: c.430C>T on transcript NM_001034853.2 (MANE Select); coding-DNA position 430, C replaced by T.
Protein change: p.Gln144Ter; replaces glutamine 144 with a stop codon.
Molecular consequence: nonsense. On other transcripts: non-coding transcript variant (6).
Genome position (GRCh38, 1-based): chrX:38,318,868, G>A on the plus strand (C>T on the coding strand, the complement: RPGR is on the minus strand). VCF-style: chrX-38318868-G-A. GRCh37 (hg19) VCF-style: chrX-38178121-G-A.
Other names: c.430C>T (NM_000328.2); c.430C>T, p.Gln144Ter (NM_000328.3, NM_001367245.1, NM_001367246.1 and 3 more transcripts); c.460C>T, p.Gln154Ter (NM_001367248.1); c.427C>T, p.Gln143Ter (NM_001367249.1); short protein forms Q143*, Q154*, Q144*.
Identifiers: ClinVar variation 1998678 (VCV001998678.7), dbSNP rs2519894537, ClinGen allele CA412745065.

ClinVar aggregate classification (germline): Pathogenic/Likely pathogenic. Review status: criteria provided, multiple submitters, no conflicts (2 of 4 stars). 3 submissions from 3 submitters: Pathogenic (1); Likely pathogenic (2). Last evaluated 2022-05-25.

Conditions:
RPGR-related disorder. Also called: RPGR-related condition.
Primary ciliary dyskinesia. Also called: Ciliary dyskinesia. Identifiers: Orphanet 244, MedGen C0008780, MONDO:0016575, HP:0012265.

Submissions (3):

Labcorp Genetics (formerly Invitae), Labcorp
Classification: Pathogenic for Primary ciliary dyskinesia. Last evaluated: 2022-05-25. Review status: criteria provided, single submitter. Criteria: Invitae Variant Classification Sherloc (09022015). Collection method: clinical testing. Allele origin: germline.
Comment: This variant has not been reported in the literature in individuals affected with RPGR-related conditions. This variant is not present in population databases (gnomAD no frequency). This sequence change creates a premature translational stop signal (p.Gln144*) in the RPGR gene. It is expected to result in an absent or disrupted protein product. Loss-of-function variants in RPGR are known to be pathogenic (PMID: 16055928, 16969763). Algorithms developed to predict the effect of sequence changes on RNA splicing suggest that this variant may disrupt the consensus splice site. For these reasons, this variant has been classified as Pathogenic.

Blueprint Genetics
Classification: Likely pathogenic for RPGR-related disorders. Last evaluated: 2018-08-02. Review status: criteria provided, single submitter. Criteria: ACMG Guidelines, 2015. Collection method: clinical testing. Allele origin: germline. Affected: yes. Observed: 1 variant allele.

PreventionGenetics, part of Exact Sciences
Classification: Likely pathogenic. Last evaluated: 2016-10-01. Review status: criteria provided, single submitter. Criteria: ACMG Guidelines, 2015. Collection method: clinical testing. Allele origin: germline.

Literature cited by the submitters: PubMed 16055928 (cited by Labcorp Genetics (formerly Invitae), Labcorp); PubMed 16969763 (cited by Labcorp Genetics (formerly Invitae), Labcorp).